The following is an entry in ClinVar:

ClinVar aggregate classification (germline): Uncertain significance (1 of 4 stars; one submission).

Submission:

Labcorp Genetics (formerly Invitae), Labcorp
Classification: Uncertain significance. Last evaluated: 2023-11-24. Review status: criteria provided, single submitter. Criteria: Invitae Variant Classification Sherloc (09022015). Collection method: clinical testing. Allele origin: germline.
Comment: This sequence change replaces glycine, which is neutral and non-polar, with serine, which is neutral and polar, at codon 1664 of the MTOR protein (p.Gly1664Ser). This variant is not present in population databases (gnomAD no frequency). This variant has not been reported in the literature in individuals affected with MTOR-related conditions. Advanced modeling of protein sequence and biophysical properties (such as structural, functional, and spatial information, amino acid conservation, physicochemical variation, residue mobility, and thermodynamic stability) has been performed at Invitae for this missense variant, however the output from this modeling did not meet the statistical confidence thresholds required to predict the impact of this variant on MTOR protein function. In summary, the available evidence is currently insufficient to determine the role of this variant in disease. Therefore, it has been classified as a Variant of Uncertain Significance.

NM_004958.4(MTOR):c.4990G>A (p.Gly1664Ser)

Gene: MTOR (mechanistic target of rapamycin kinase; minus strand). Cytogenetic location: 1p36.22.
Variant type: single nucleotide variant.
Coding change: c.4990G>A on transcript NM_004958.4 (MANE Select); coding-DNA position 4990, G replaced by A.
Protein change: p.Gly1664Ser; replaces glycine 1664 with serine.
Molecular consequence: missense variant.
Genome position (GRCh38, 1-based): chr1:11,139,541, C>T on the plus strand (G>A on the coding strand, the complement: MTOR is on the minus strand). VCF-style: chr1-11139541-C-T. GRCh37 (hg19) VCF-style: chr1-11199598-C-T.
Other names: c.4990G>A, p.Gly1664Ser (NM_001386500.1); c.3742G>A, p.Gly1248Ser (NM_001386501.1); short protein forms G1664S, G1248S.
Identifiers: ClinVar variation 2698237 (VCV002698237.3), dbSNP rs2522431162, ClinGen allele CA338402135.